The following is an entry in ClinVar:

ClinVar aggregate classification (germline): Uncertain significance (1 of 4 stars; one submission).

Conditions:
Hereditary cancer-predisposing syndrome. Also called: Tumor predisposition; Hereditary Cancer Syndrome; Neoplastic Syndromes, Hereditary; Hereditary neoplastic syndrome. Identifiers: Orphanet 140162, MedGen C0027672, MeSH D009386, MONDO:0015356.

Submission:

Ambry Genetics
Classification: Uncertain significance for Hereditary cancer-predisposing syndrome. Last evaluated: 2020-08-03. Review status: criteria provided, single submitter. Criteria: Ambry Variant Classification Scheme 2023. Collection method: clinical testing. Allele origin: germline.
Comment: The p.E868V variant (also known as c.2603A>T), located in coding exon 15 of the APC gene, results from an A to T substitution at nucleotide position 2603. The glutamic acid at codon 868 is replaced by valine, an amino acid with dissimilar properties. This amino acid position is well conserved in available vertebrate species. In addition, in silico predictors for this gene do not accurately predict pathogenicity. Since supporting evidence is limited at this time, the clinical significance of this alteration remains unclear.

NM_000038.6(APC):c.2603A>T (p.Glu868Val)

Gene: APC (APC regulator of Wnt signaling pathway; plus strand). Cytogenetic location: 5q22.2.
Variant type: single nucleotide variant.
Coding change: c.2603A>T on transcript NM_000038.6 (MANE Select); coding-DNA position 2603, A replaced by T.
Protein change: p.Glu868Val; replaces glutamic acid 868 with valine.
Molecular consequence: missense variant.
Genome position (GRCh38, 1-based): chr5:112,838,197, A>T. VCF-style: chr5-112838197-A-T. GRCh37 (hg19) VCF-style: chr5-112173894-A-T.
Other names: c.2603A>T, p.Glu868Val (NM_001127510.3, NM_001354895.2, NM_001407450.1); c.2549A>T, p.Glu850Val (NM_001127511.3); c.2657A>T, p.Glu886Val (NM_001354896.2, NM_001407447.1, NM_001407448.1 and 1 more transcripts); c.2633A>T, p.Glu878Val (NM_001354897.2); c.2528A>T, p.Glu843Val (NM_001354898.2); c.2519A>T, p.Glu840Val (NM_001354899.2); c.2480A>T, p.Glu827Val (NM_001354900.2); c.2426A>T, p.Glu809Val (NM_001354901.2, NM_001407453.1); and 11 more; short protein forms E585V, E708V, E767V, E785V, E827V, E850V, E858V, E878V.
Identifiers: ClinVar variation 1793699 (VCV001793699.2), dbSNP rs2149873419, ClinGen allele CA16027029.